The following is an entry in ClinVar:

ClinVar aggregate classification (germline): Conflicting classifications of pathogenicity. Review status: criteria provided, conflicting classifications (1 of 4 stars). 2 submissions from 2 submitters: Likely pathogenic (1); Uncertain significance (1). Last evaluated 2025-06-06.

Conditions:
Craniofrontonasal syndrome (CFNS). Also called: CRANIOFRONTONASAL DYSOSTOSIS. Identifiers: Orphanet 1520, MedGen C0220767, MONDO:0010570, OMIM 304110.

Submissions (2):

GeneDx
Classification: Uncertain significance. Last evaluated: 2025-06-06. Review status: criteria provided, single submitter. Criteria: GeneDx Variant Classification Process June 2021. Collection method: clinical testing. Allele origin: germline.
Comment: Identified hemizygous in a child with sagittal synostosis; the variant was inherited from a mother with a less severe phenotype (PMID: 26180728); Identified hemizygous in a cohort of apparently normal fetuses, inherited from an apparently healthy mother (PMID: 38735835); Not observed at significant frequency in large population cohorts (gnomAD); In silico analysis supports that this missense variant has a deleterious effect on protein structure/function; This variant is associated with the following publications: (PMID: 32537296, 26180728, 38735835)

Genomic Diagnostic Laboratory, Division of Genomic Diagnostics, Children's Hospital of Philadelphia
Classification: Likely pathogenic for Craniofrontonasal dysplasia. Last evaluated: 2016-09-17. Review status: criteria provided, single submitter. Criteria: DGD Variant Analysis Guidelines. Collection method: clinical testing. Allele origin: germline. Affected: yes. Observed: 2 variant alleles.
Comment: Clinical Testing

NM_004429.5(EFNB1):c.466C>T (p.Arg156Cys)

Gene: EFNB1 (ephrin B1; plus strand). Cytogenetic location: Xq13.1.
Variant type: single nucleotide variant.
Coding change: c.466C>T on transcript NM_004429.5 (MANE Select); coding-DNA position 466, C replaced by T.
Protein change: p.Arg156Cys; replaces arginine 156 with cysteine.
Molecular consequence: missense variant.
Genome position (GRCh38, 1-based): chrX:68,839,723, C>T. VCF-style: chrX-68839723-C-T. GRCh37 (hg19) VCF-style: chrX-68059566-C-T.
Other names: short protein forms R156C.
Identifiers: ClinVar variation 374805 (VCV000374805.4), dbSNP rs1057519034, ClinGen allele CA16043924.